The following is an entry in ClinVar:

ClinVar aggregate classification (germline): Uncertain significance (1 of 4 stars; one submission).

Allele frequency attached by ClinVar (database versions not stated): gnomAD exomes below 0.00001.
gnomAD v4.1: 1 of 1,613,354 alleles (0.000062%); highest among the groups gnomAD compares: Non-Finnish European, 0.000085%; no homozygotes.

Submission:

Labcorp Genetics (formerly Invitae), Labcorp
Classification: Uncertain significance. Last evaluated: 2024-05-21. Review status: criteria provided, single submitter. Criteria: Invitae Variant Classification Sherloc (09022015). Collection method: clinical testing. Allele origin: germline.
Comment: This sequence change replaces methionine, which is neutral and non-polar, with valine, which is neutral and non-polar, at codon 4021 of the PCLO protein (p.Met4021Val). This variant is not present in population databases (gnomAD no frequency). This variant has not been reported in the literature in individuals affected with PCLO-related conditions. ClinVar contains an entry for this variant (Variation ID: 1377518). Experimental studies and prediction algorithms are not available or were not evaluated, and the functional significance of this variant is currently unknown. In summary, the available evidence is currently insufficient to determine the role of this variant in disease. Therefore, it has been classified as a Variant of Uncertain Significance.

NM_033026.6(PCLO):c.12061A>G (p.Met4021Val)

Gene: PCLO (piccolo presynaptic cytomatrix protein; minus strand). Cytogenetic location: 7q21.11.
Variant type: single nucleotide variant.
Coding change: c.12061A>G on transcript NM_033026.6 (MANE Select); coding-DNA position 12061, A replaced by G.
Protein change: p.Met4021Val; replaces methionine 4021 with valine.
Molecular consequence: missense variant.
Genome position (GRCh38, 1-based): chr7:82,915,925, T>C on the plus strand (A>G on the coding strand, the complement: PCLO is on the minus strand). VCF-style: chr7-82915925-T-C. GRCh37 (hg19) VCF-style: chr7-82545241-T-C.
Other names: c.12061A>G, p.Met4021Val (NM_014510.3); short protein forms M4021V.
Identifiers: ClinVar variation 1377518 (VCV001377518.6), dbSNP rs2116268622, ClinGen allele CA367890441.